The following is an entry in ClinVar:

NM_006031.6(PCNT):c.389_427dup (p.Gln142_Arg143insHisGlyMetPheThrValGlyAspHisProProGluGln)

Gene: PCNT (pericentrin; plus strand). Cytogenetic location: 21q22.3.
Variant type: Duplication.
Coding change: c.389_427dup on transcript NM_006031.6 (MANE Select); coding-DNA positions 389 to 427, 39 bases duplicated.
Protein change: p.Gln142_Arg143insHisGlyMetPheThrValGlyAspHisProProGluGln.
Molecular consequence: inframe insertion.
Genome position (GRCh38, 1-based): chr21:46,334,518-46,334,556, 39 bases duplicated; duplicating any 39 consecutive bases within chr21:46,334,497-46,334,556 gives the same sequence; the c. name uses the placement nearest the transcript's 3' end. GRCh37 (hg19): chr21:47,754,432-47,754,470.
Other names: c.35_73dup, p.Gln24_Arg25insHisGlyMetPheThrValGlyAspHisProProGluGln (NM_001315529.2).
Identifiers: ClinVar variation 3620522 (VCV003620522.2).

ClinVar aggregate classification (germline): Uncertain significance (1 of 4 stars; one submission).

Submission:

Labcorp Genetics (formerly Invitae), Labcorp
Classification: Uncertain significance. Last evaluated: 2024-04-22. Review status: criteria provided, single submitter. Criteria: Invitae Variant Classification Sherloc (09022015). Collection method: clinical testing. Allele origin: germline.
Comment: This variant, c.389_427dup, results in the insertion of 13 amino acid(s) of the PCNT protein (p.His130_Gln142dup), but otherwise preserves the integrity of the reading frame. This variant is not present in population databases (gnomAD no frequency). This variant has not been reported in the literature in individuals affected with PCNT-related conditions. In summary, the available evidence is currently insufficient to determine the role of this variant in disease. Therefore, it has been classified as a Variant of Uncertain Significance.